The following is an entry in ClinVar:

NM_000214.3(JAG1):c.2341C>T (p.Gln781Ter)

Gene: JAG1 (jagged canonical Notch ligand 1; minus strand). Cytogenetic location: 20p12.2.
Variant type: single nucleotide variant.
Coding change: c.2341C>T on transcript NM_000214.3 (MANE Select); coding-DNA position 2341, C replaced by T.
Protein change: p.Gln781Ter; replaces glutamine 781 with a stop codon.
Molecular consequence: nonsense.
Genome position (GRCh38, 1-based): chr20:10,644,866, G>A on the plus strand (C>T on the coding strand, the complement: JAG1 is on the minus strand). VCF-style: chr20-10644866-G-A. GRCh37 (hg19) VCF-style: chr20-10625514-G-A.
Other names: short protein forms Q781*.
Identifiers: ClinVar variation 2763738 (VCV002763738.3), dbSNP rs2514512834, ClinGen allele CA408234841.

ClinVar aggregate classification (germline): Pathogenic (1 of 4 stars; one submission).

Conditions:
Alagille syndrome due to a JAG1 point mutation. Also called: Alagille Syndrome 1; JAG1-Related Alagille Syndrome; HEPATIC DUCTULAR HYPOPLASIA, SYNDROMATIC. Identifiers: Orphanet 261619, Orphanet 52, MedGen C1956125, MONDO:0016862, OMIM 118450.

Submission:

Labcorp Genetics (formerly Invitae), Labcorp
Classification: Pathogenic for Alagille syndrome due to a JAG1 point mutation. Last evaluated: 2025-07-31. Review status: criteria provided, single submitter. Criteria: Invitae Variant Classification Sherloc (09022015). Collection method: clinical testing. Allele origin: germline.
Comment: This sequence change creates a premature translational stop signal (p.Gln781*) in the JAG1 gene. It is expected to result in an absent or disrupted protein product. Loss-of-function variants in JAG1 are known to be pathogenic (PMID: 11180599). This variant is not present in population databases (gnomAD no frequency). This variant has not been reported in the literature in individuals affected with JAG1-related conditions. ClinVar contains an entry for this variant (Variation ID: 2763738). Algorithms developed to predict the effect of sequence changes on RNA splicing suggest that this variant may disrupt the consensus splice site. For these reasons, this variant has been classified as Pathogenic.

Literature cited by the submitters: PubMed 11180599.